The following is an entry in ClinVar:

ClinVar aggregate classification (germline): Likely benign. Review status: criteria provided, multiple submitters, no conflicts (2 of 4 stars). 5 submissions from 5 submitters: Likely benign (5). Last evaluated 2026-07-01.

Conditions:
Hereditary cancer-predisposing syndrome. Also called: Hereditary neoplastic syndrome; Tumor predisposition; Neoplastic Syndromes, Hereditary; Hereditary Cancer Syndrome. Identifiers: Orphanet 140162, MedGen C0027672, MeSH D009386, MONDO:0015356.
Medulloblastoma (MDB). Also called: MEDULLOBLASTOMA PREDISPOSITION SYNDROME; Medulloblastoma, somatic. Identifiers: Orphanet 616, MedGen C0025149, MeSH D008527, MONDO:0007959, OMIM 155255, HP:0002885.
Gorlin syndrome. Also called: Nevoid Basal Cell Carcinoma Syndrome; Basal cell nevus syndrome. Identifiers: Orphanet 377, MedGen C0004779, MONDO:0007187.

Allele frequency attached by ClinVar (database versions not stated): gnomAD 0.00001; TOPMed 0.00002; ESP Exome Variant Server 0.00008.
gnomAD v4.1: 9 of 1,612,700 alleles (0.00056%); highest among the groups gnomAD compares: Non-Finnish European, 0.00076%; no homozygotes.

Submissions (5):

CeGaT Center for Human Genetics Tuebingen
Classification: Likely benign. Last evaluated: 2026-07-01. Review status: criteria provided, single submitter. Criteria: CeGaT Center For Human Genetics Tuebingen Variant Classification Criteria Version 2. Collection method: clinical testing. Allele origin: germline. Affected: yes. Observed: 2 variant alleles.
Comment: SUFU: BP4, BP7

Center for Genomic Medicine, Rigshospitalet, Copenhagen University Hospital
Classification: Likely benign. Last evaluated: 2025-12-29. Review status: criteria provided, single submitter. Criteria: ACMG Guidelines, 2015. Collection method: clinical testing. Allele origin: germline.

Labcorp Genetics (formerly Invitae), Labcorp
Classification: Likely benign for Gorlin syndrome; Medulloblastoma. Last evaluated: 2025-10-07. Review status: criteria provided, single submitter. Criteria: Invitae Variant Classification Sherloc (09022015). Collection method: clinical testing. Allele origin: germline.

ARUP Laboratories, Molecular Genetics and Genomics, ARUP Laboratories
Classification: Likely benign. Last evaluated: 2024-12-18. Review status: criteria provided, single submitter. Criteria: ARUP Molecular Germline Variant Investigation Process 2024. Collection method: clinical testing. Allele origin: germline.

Ambry Genetics
Classification: Likely benign for Hereditary cancer-predisposing syndrome. Last evaluated: 2017-05-08. Review status: criteria provided, single submitter. Criteria: Ambry Variant Classification Scheme 2023. Collection method: clinical testing. Allele origin: germline.

NM_016169.4(SUFU):c.84G>T (p.Ser28=)

Genes: SUFU (SUFU negative regulator of hedgehog signaling; plus strand), LOC130004614 (ATAC-STARR-seq lymphoblastoid silent region 2764; plus strand). Cytogenetic location: 10q24.32.
Variant type: single nucleotide variant.
Coding change: c.84G>T on transcript NM_016169.4 (MANE Select); coding-DNA position 84, G replaced by T.
Protein change: p.Ser28=; no amino-acid change (serine 28 retained).
Molecular consequence: synonymous variant.
Genome position (GRCh38, 1-based): chr10:102,504,236, G>T. VCF-style: chr10-102504236-G-T. GRCh37 (hg19) VCF-style: chr10-104263993-G-T.
Other names: c.84G>T, p.Ser28= (NM_001178133.2).
Identifiers: ClinVar variation 453980 (VCV000453980.26), dbSNP rs376752468, ClinGen allele CA5667590.
Genomic context (GRCh38, chr10:102,504,236, plus strand): 5'-CGCCCCCGGCCCCACCGCGCCCCCGGCCCCTGGCCCGACTGCCCCCCCGGCCTTCGCTTC[G>T]CTCTTTCCCCCGGGACTGCACGCCATCTACGGAGAGTGCCGCCGCCTTTACCCTGACCAG-3'
Protein context (NP_057253.2, residues 18-38): PGPTAPPAFA[Ser28=]LFPPGLHAIY